The following is an entry in ClinVar:

NM_001042492.3(NF1):c.100_102dup (p.Val34_Ser35insVal)

Gene: NF1 (neurofibromin 1; plus strand). Cytogenetic location: 17q11.2.
Variant type: Duplication.
Coding change: c.100_102dup on transcript NM_001042492.3 (MANE Select); coding-DNA positions 100 to 102, 3 bases duplicated (GTC; older notation c.100_102dupGTC).
Protein change: p.Val34_Ser35insVal.
Molecular consequence: inframe insertion.
Genome position (GRCh38, 1-based): chr17:31,156,022-31,156,024, GTC duplicated. VCF-style (leftmost placement, unchanged base first): chr17-31156021-A-AGTC. GRCh37 (hg19) VCF-style: chr17-29483039-A-AGTC.
Other names: c.100_102dup, p.Val34_Ser35insVal (NM_000267.4, NM_001128147.3).
Identifiers: ClinVar variation 4718180 (VCV004718180.1).

ClinVar aggregate classification (germline): Uncertain significance (1 of 4 stars; one submission).

Conditions:
Neurofibromatosis, type 1 (NF1). Also called: NEUROFIBROMATOSIS, TYPE I, SOMATIC; VON RECKLINGHAUSEN DISEASE; Peripheral type neurofibromatosis; Neurofibromatosis, type I. Identifiers: Orphanet 636, MedGen C0027831, MONDO:0018975, OMIM 162200. Disease mechanism: loss of function.

Submission:

Labcorp Genetics (formerly Invitae), Labcorp
Classification: Uncertain significance for Neurofibromatosis, type 1. Last evaluated: 2025-04-23. Review status: criteria provided, single submitter. Criteria: Invitae Variant Classification Sherloc (09022015). Collection method: clinical testing. Allele origin: germline.
Comment: This variant, c.100_102dup, results in the insertion of 1 amino acid(s) of the NF1 protein (p.Val34dup), but otherwise preserves the integrity of the reading frame. This variant is not present in population databases (gnomAD no frequency). This variant has not been reported in the literature in individuals affected with NF1-related conditions. In summary, the available evidence is currently insufficient to determine the role of this variant in disease. Therefore, it has been classified as a Variant of Uncertain Significance.